The following is an entry in ClinVar:

ClinVar aggregate classification (germline): Uncertain significance (1 of 4 stars; one submission).

Conditions:
Ehlers-Danlos syndrome, kyphoscoliotic type 1 (EDSKSCL1). Also called: EHLERS-DANLOS SYNDROME, TYPE VIA; PLOD1-Related Kyphoscoliotic Ehlers-Danlos Syndrome; Ehlers-Danlos syndrome, hydroxylysine-deficient; EHLERS-DANLOS SYNDROME, OCULAR-SCOLIOTIC TYPE. Identifiers: Orphanet 1900, MedGen C0268342, MONDO:0016002, OMIM 225400. Disease mechanism: loss of function.

Submission:

Labcorp Genetics (formerly Invitae), Labcorp
Classification: Uncertain significance for Ehlers-Danlos syndrome, kyphoscoliotic type 1. Last evaluated: 2021-08-27. Review status: criteria provided, single submitter. Criteria: Invitae Variant Classification Sherloc (09022015). Collection method: clinical testing. Allele origin: germline.
Comment: This sequence change replaces leucine with glutamine at codon 105 of the PLOD1 protein (p.Leu105Gln). The leucine residue is weakly conserved and there is a moderate physicochemical difference between leucine and glutamine. This variant is not present in population databases (ExAC no frequency). This variant has not been reported in the literature in individuals affected with PLOD1-related conditions. Algorithms developed to predict the effect of missense changes on protein structure and function are either unavailable or do not agree on the potential impact of this missense change (SIFT: "Deleterious"; PolyPhen-2: "Possibly Damaging"; Align-GVGD: "Class C0"). In summary, the available evidence is currently insufficient to determine the role of this variant in disease. Therefore, it has been classified as a Variant of Uncertain Significance.

NM_000302.4(PLOD1):c.314T>A (p.Leu105Gln)

Gene: PLOD1 (procollagen-lysine,2-oxoglutarate 5-dioxygenase 1; plus strand). Cytogenetic location: 1p36.22.
Variant type: single nucleotide variant.
Coding change: c.314T>A on transcript NM_000302.4 (MANE Select); coding-DNA position 314, T replaced by A.
Protein change: p.Leu105Gln; replaces leucine 105 with glutamine.
Molecular consequence: missense variant.
Genome position (GRCh38, 1-based): chr1:11,950,368, T>A. VCF-style: chr1-11950368-T-A. GRCh37 (hg19) VCF-style: chr1-12010425-T-A.
Other names: c.455T>A, p.Leu152Gln (NM_001316320.2); short protein forms L105Q, L152Q.
Identifiers: ClinVar variation 529347 (VCV000529347.6), dbSNP rs1553133902, ClinGen allele CA338426836.